The following is an entry in ClinVar:

ClinVar aggregate classification (germline): Conflicting classifications of pathogenicity. Review status: criteria provided, conflicting classifications (1 of 4 stars). 5 submissions from 5 submitters: Uncertain significance (4); Likely benign (1). Last evaluated 2025-06-16.

Conditions:
HNF1A-related disorder. Also called: HNF1A-related condition.
Maturity-onset diabetes of the young type 3. Also called: MODY type 3; MODY, type III. Identifiers: Orphanet 552, MedGen C1838100, MeSH C563933, MONDO:0010894, OMIM 600496. Disease mechanism: loss of function.
Diabetes mellitus type 1 (T1D). Also called: Diabetes Mellitus, Juvenile-Onset; Type I diabetes mellitus. Identifiers: MedGen C0011854, MONDO:0005147, OMIM 222100, HP:0100651.
Type 2 diabetes mellitus. Also called: Type II diabetes mellitus. Identifiers: MedGen C0011860, MeSH D003924, MONDO:0005148, OMIM 125853, HP:0005978.
Type 1 diabetes mellitus 20 (T1D20). Also called: Diabetes mellitus, insulin-dependent, 20. Identifiers: MedGen C2675866, MONDO:0012919, OMIM 612520.
Hepatic adenomas, familial. Also called: LIVER CELL ADENOMAS, FAMILIAL; HEPATIC ADENOMA, SOMATIC. Identifiers: MedGen C1840646, MONDO:0007718, OMIM 142330.
Nonpapillary renal cell carcinoma. Identifiers: Orphanet 422526, MedGen CN074294, MONDO:0007763, OMIM 144700.
Maturity-onset diabetes of the young (MODY). Also called: Maturity onset diabetes mellitus in young. Identifiers: Orphanet 552, MedGen C0342276, MONDO:0018911, HP:0004904.

Allele frequency attached by ClinVar (database versions not stated): 1000 Genomes Project 0.00020.

Submissions (5):

Labcorp Genetics (formerly Invitae), Labcorp
Classification: Uncertain significance. Last evaluated: 2025-06-16. Review status: criteria provided, single submitter. Criteria: Invitae Variant Classification Sherloc (09022015). Collection method: clinical testing. Allele origin: germline.
Comment: This sequence change replaces glycine, which is neutral and non-polar, with arginine, which is basic and polar, at codon 288 of the HNF1A protein (p.Gly288Arg). This variant is present in population databases (rs539507291, gnomAD 0.03%). This missense change has been observed in individual(s) with clinical features of maturity-onset diabetes of the young (PMID: 35733065). In at least one individual the variant was observed to be de novo. ClinVar contains an entry for this variant (Variation ID: 1982702). Invitae Evidence Modeling of protein sequence and biophysical properties (such as structural, functional, and spatial information, amino acid conservation, physicochemical variation, residue mobility, and thermodynamic stability) indicates that this missense variant is not expected to disrupt HNF1A protein function with a negative predictive value of 80%. Experimental studies are conflicting or provide insufficient evidence to determine the effect of this variant on HNF1A function (PMID: 32910913). In summary, the available evidence is currently insufficient to determine the role of this variant in disease. Therefore, it has been classified as a Variant of Uncertain Significance.

Ambry Genetics
Classification: Likely benign for Maturity-onset diabetes of the young. Last evaluated: 2025-05-29. Review status: criteria provided, single submitter. Criteria: Ambry Variant Classification Scheme 2023. Collection method: clinical testing. Allele origin: germline.

PreventionGenetics, part of Exact Sciences
Classification: Uncertain significance for HNF1A-related condition. Last evaluated: 2024-10-14. Review status: criteria provided, single submitter. Criteria: ACMG Guidelines, 2015. Collection method: clinical testing. Allele origin: germline.
Comment: The HNF1A c.862G>A variant is predicted to result in the amino acid substitution p.Gly288Arg. This variant has been reported in individuals with hypopituitarism and diabetes (Fendler et al. 2016. PubMed ID: 27059371; Vishnopolska et al. 2021. PubMed ID: 33729509; Table S1, Donath et al. 2019. PubMed ID: 31291970; Doğan et al. 2022. PubMed ID: 35733065). In one case, it was found to be de novo in an individual with diabetes and was classified as VUS (Doğan et al. 2022. PubMed ID: 35733065). In another case, this variant was observed in an individual with diabetes who also has a pathogenic variant in GCK (Table S1, Donath et al. 2019. PubMed ID: 31291970). This variant is reported in 0.027% of alleles in individuals of Latino descent in gnomAD. At this time, the clinical significance of this variant is uncertain due to the absence of conclusive functional and genetic evidence.

Fulgent Genetics
Classification: Uncertain significance for Type 2 diabetes mellitus; Hepatic adenomas, familial; Nonpapillary renal cell carcinoma; Diabetes mellitus type 1; Maturity-onset diabetes of the young type 3; Type 1 diabetes mellitus 20. Last evaluated: 2024-04-23. Review status: criteria provided, single submitter. Criteria: ACMG Guidelines, 2015. Collection method: clinical testing. Allele origin: germline.

Blueprint Genetics
Classification: Uncertain significance. Last evaluated: 2022-12-28. Review status: criteria provided, single submitter. Criteria: ACMG Guidelines, 2015. Collection method: clinical testing. Allele origin: germline.

Literature cited by the submitters: PubMed 35733065 (cited by Labcorp Genetics (formerly Invitae), Labcorp); PubMed 32910913 (cited by Labcorp Genetics (formerly Invitae), Labcorp).

NM_000545.8(HNF1A):c.862G>A (p.Gly288Arg)

Gene: HNF1A (HNF1 homeobox A; plus strand). Cytogenetic location: 12q24.31.
Variant type: single nucleotide variant.
Coding change: c.862G>A on transcript NM_000545.8 (MANE Select); coding-DNA position 862, G replaced by A.
Protein change: p.Gly288Arg; replaces glycine 288 with arginine.
Molecular consequence: missense variant.
Genome position (GRCh38, 1-based): chr12:120,994,312, G>A. VCF-style: chr12-120994312-G-A. GRCh37 (hg19) VCF-style: chr12-121432115-G-A.
Other names: c.862G>A (NM_000545.6); c.862G>A, p.Gly288Arg (NM_001306179.2, NM_001406915.1); short protein forms G288R.
Identifiers: ClinVar variation 1982702 (VCV001982702.8), dbSNP rs539507291, ClinGen allele CA6831845.